The following is an entry in ClinVar:

NM_033123.4(PLCZ1):c.115del (p.His39fs)

Gene: PLCZ1 (phospholipase C zeta 1; minus strand). Cytogenetic location: 12p12.3.
Variant type: Deletion.
Coding change: c.115del on transcript NM_033123.4 (MANE Select); coding-DNA position 115, one base deleted (C; older notation c.115delC).
Protein change: p.His39fs; shifts the reading frame from histidine 39.
Molecular consequence: frameshift variant. On other transcripts: 5 prime UTR variant (1).
Genome position (GRCh38, 1-based): chr12:18,736,241, G deleted on the plus strand (C on the coding strand, the reverse complement: PLCZ1 is on the minus strand). VCF-style (leftmost placement, unchanged base first): chr12-18736240-TG-T. GRCh37 (hg19) VCF-style: chr12-18889174-TG-T.
Other names: c.115del, p.His39fs (NM_001330769.1); c.-201del (NM_001330774.2); short protein forms H39fs.
Identifiers: ClinVar variation 5005071 (VCV005005071.2).

ClinVar aggregate classification (germline): Likely pathogenic (1 of 4 stars; one submission).

Conditions:
Spermatogenic failure 17 (SPGF17). Also called: MALE INFERTILITY DUE TO OOCYTE ACTIVATION FAILURE. Identifiers: MedGen C4310666, MONDO:0014970, OMIM 617214.

Submission:

Juno Genomics, Hangzhou Juno Genomics, Inc
Classification: Likely pathogenic for Spermatogenic failure 17. Review status: criteria provided, single submitter. Criteria: ACMG Guidelines, 2015. Collection method: clinical testing. Allele origin: germline.
Comment: Absent from controls (or at extremely low frequency if recessive) in Genome Aggregation Database.;Null variant in a gene where loss of function (LOF) is a known mechanism of disease.